The following is an entry in ClinVar:

ClinVar aggregate classification (germline): Pathogenic. Review status: reviewed by expert panel (3 of 4 stars). 3 submissions from 3 submitters: Pathogenic (1). 2 of the submissions do not count toward it. Last evaluated 2020-11-10.

Conditions:
Glanzmann thrombasthenia. Also called: Glanzmann's thrombasthenia; PLATELET GLYCOPROTEIN IIb-IIIa DEFICIENCY; BLEEDING DISORDER, PLATELET-TYPE, 2; THROMBASTHENIA OF GLANZMANN AND NAEGELI; Thrombasthenia. Identifiers: Orphanet 849, MedGen C0040015, MONDO:0100326.

Allele frequency attached by ClinVar (database versions not stated): TOPMed 0.00002; gnomAD 0.00003.
gnomAD v4.1: 9 of 1,614,042 alleles (0.00056%); highest among the groups gnomAD compares: East Asian, 0.0022%; no homozygotes.

Submissions (3):

ClinGen Platelet Disorders Variant Curation Expert Panel, ClinGen
Classification: Pathogenic for Glanzmann thrombasthenia. Last evaluated: 2020-11-10. Review status: reviewed by expert panel. Criteria: ClinGen Platelet ACMG Specifications v2. Collection method: curation. Allele origin: germline. Inheritance: Autosomal recessive inheritance.
Comment: NM_000212.3(ITGB3):c.724C>T (p.Arg242Ter) is a stop-gain (nonsense) variant that has been reported previously in at least one proband who satisfies the diagnostic criteria for the GT phenotype (PMID: 22250950). MAF of this variant for the Non-Finnish European subpopulation is 0.000064 in gnomAD v2.1.1. This nonsense variant is predicted to cause NMD and loss of function. This variant meets GT specific criteria for PVS1, PM2_Supporting and PP4_moderate and is therefore classified as Pathogenic.

Labcorp Genetics (formerly Invitae), Labcorp
Classification: Pathogenic. Last evaluated: 2023-07-25. Review status: criteria provided, single submitter. Criteria: Invitae Variant Classification Sherloc (09022015). Collection method: clinical testing. Allele origin: germline. Not counted in ClinVar's aggregate classification.
Comment: For these reasons, this variant has been classified as Pathogenic. ClinVar contains an entry for this variant (Variation ID: 996164). This premature translational stop signal has been observed in individual(s) with glanzmann thrombasthenia (PMID: 20438394). This variant is present in population databases (no rsID available, gnomAD 0.007%). This sequence change creates a premature translational stop signal (p.Arg242*) in the ITGB3 gene. It is expected to result in an absent or disrupted protein product. Loss-of-function variants in ITGB3 are known to be pathogenic (PMID: 21917754).

Molecular Genetics, Labor Dr. Heidrich & Kollegen MVZ GmbH
Classification: Pathogenic for Glanzmann thrombasthenia. Last evaluated: 2025-03-13. Review status: no assertion criteria provided. Collection method: clinical testing. Allele origin: germline. Affected: yes. Not counted in ClinVar's aggregate classification.

Literature cited by the submitters: PubMed 22250950 (cited by ClinGen Platelet Disorders Variant Curation Expert Panel, ClinGen); PubMed 20438394 (cited by Labcorp Genetics (formerly Invitae), Labcorp); PubMed 21917754 (cited by Labcorp Genetics (formerly Invitae), Labcorp).

NM_000212.3(ITGB3):c.724C>T (p.Arg242Ter)

Gene: ITGB3 (integrin subunit beta 3; plus strand). Cytogenetic location: 17q21.32.
Variant type: single nucleotide variant.
Coding change: c.724C>T on transcript NM_000212.3 (MANE Select); coding-DNA position 724, C replaced by T.
Protein change: p.Arg242Ter; replaces arginine 242 with a stop codon.
Molecular consequence: nonsense.
Genome position (GRCh38, 1-based): chr17:47,286,369, C>T. VCF-style: chr17-47286369-C-T. GRCh37 (hg19) VCF-style: chr17-45363735-C-T.
Other names: short protein forms R242*.
Identifiers: ClinVar variation 996164 (VCV000996164.6), dbSNP rs758633284, ClinGen allele CA400023596.
Genomic context (GRCh38, chr17:47,286,369, plus strand): 5'-CTAACTGACCAGGTGACCCGCTTCAATGAGGAAGTGAAGAAGCAGAGTGTGTCACGGAAC[C>T]GAGATGCCCCAGAGGGTGGCTTTGATGCCATCATGCAGGCTACAGTCTGTGATGTGAGTT-3'